The following is an entry in ClinVar:

ClinVar aggregate classification (germline): Likely benign (1 of 4 stars; one submission).

Allele frequency attached by ClinVar (database versions not stated): gnomAD exomes 0.00001; TOPMed 0.00001; gnomAD 0.00002; ExAC 0.00003.
gnomAD v4.1: 24 of 1,613,610 alleles (0.0015%); highest among the groups gnomAD compares: Admixed American, 0.0083%; no homozygotes.

Submission:

CeGaT Center for Human Genetics Tuebingen
Classification: Likely benign. Last evaluated: 2022-08-01. Review status: criteria provided, single submitter. Criteria: CeGaT Center For Human Genetics Tuebingen Variant Classification Criteria Version 2. Collection method: clinical testing. Allele origin: germline. Affected: yes. Observed: 1 variant allele.
Comment: SGSM1: BP4, BP7

NM_001098497.3(SGSM1):c.1437C>T (p.Pro479=)

Gene: SGSM1 (small G protein signaling modulator 1; plus strand). Cytogenetic location: 22q11.23.
Variant type: single nucleotide variant.
Coding change: c.1437C>T on transcript NM_001098497.3 (MANE Select); coding-DNA position 1437, C replaced by T.
Protein change: p.Pro479=; no amino-acid change (proline 479 retained).
Molecular consequence: synonymous variant.
Genome position (GRCh38, 1-based): chr22:24,879,468, C>T. VCF-style: chr22-24879468-C-T. GRCh37 (hg19) VCF-style: chr22-25275435-C-T.
Other names: c.1602C>T, p.Pro534= (NM_001039948.4, NM_133454.4); c.1437C>T, p.Pro479= (NM_001098498.3).
Identifiers: ClinVar variation 2653001 (VCV002653001.24), dbSNP rs776637794, ClinGen allele CA10156759.
Genomic context (GRCh38, chr22:24,879,468, plus strand): 5'-ATCTGGGCTGTGTTTGGATCTATTCTAAGCATCTCCCTCTTTCTCCACCTGCAGGGCTCC[C>T]CTGAAACTTCTCTGTGACAATATGAAGTACCAGATCCTCTCCAGAGCCTTCTATGGATGT-3'
Protein context (NP_001091967.1, residues 469-489): STNGCNHERA[Pro479=]LKLLCDNMKY